The following is an entry in ClinVar:

ClinVar aggregate classification (germline): Likely benign. Review status: criteria provided, multiple submitters, no conflicts (2 of 4 stars). 3 submissions from 3 submitters: Likely benign (3). Last evaluated 2025-06-29.

Allele frequency attached by ClinVar (database versions not stated): gnomAD 0.00009 and 0.00011; TOPMed 0.00011; gnomAD exomes 0.00014; ESP Exome Variant Server 0.00015; ExAC 0.00018.
gnomAD v4.1: 255 of 1,614,042 alleles (0.016%); highest among the groups gnomAD compares: Non-Finnish European, 0.019%; no homozygotes.

Submissions (3):

Labcorp Genetics (formerly Invitae), Labcorp
Classification: Likely benign. Last evaluated: 2025-06-29. Review status: criteria provided, single submitter. Criteria: Invitae Variant Classification Sherloc (09022015). Collection method: clinical testing. Allele origin: germline.

CeGaT Center for Human Genetics Tuebingen
Classification: Likely benign. Last evaluated: 2025-01-01. Review status: criteria provided, single submitter. Criteria: CeGaT Center For Human Genetics Tuebingen Variant Classification Criteria Version 2. Collection method: clinical testing. Allele origin: germline. Affected: yes. Observed: 1 variant allele.
Comment: LAMA1: BP4, BP7

Blueprint Genetics
Classification: Likely benign. Last evaluated: 2024-09-11. Review status: criteria provided, single submitter. Criteria: ACMG Guidelines, 2015. Collection method: clinical testing. Allele origin: germline.

NM_005559.4(LAMA1):c.9123G>A (p.Arg3041=)

Gene: LAMA1 (laminin subunit alpha 1; minus strand). Cytogenetic location: 18p11.31.
Variant type: single nucleotide variant.
Coding change: c.9123G>A on transcript NM_005559.4 (MANE Select); coding-DNA position 9123, G replaced by A.
Protein change: p.Arg3041=; no amino-acid change (arginine 3041 retained).
Molecular consequence: synonymous variant.
Genome position (GRCh38, 1-based): chr18:6,942,184, C>T on the plus strand (G>A on the coding strand, the complement: LAMA1 is on the minus strand). VCF-style: chr18-6942184-C-T. GRCh37 (hg19) VCF-style: chr18-6942183-C-T.
Identifiers: ClinVar variation 725021 (VCV000725021.23), dbSNP rs141619176, ClinGen allele CA8880240.